The following is an entry in ClinVar:

NM_001378778.1(MPDZ):c.503A>G (p.Gln168Arg)

Gene: MPDZ (multiple PDZ domain crumbs cell polarity complex component; minus strand). Cytogenetic location: 9p23.
Variant type: single nucleotide variant.
Coding change: c.503A>G on transcript NM_001378778.1 (MANE Select); coding-DNA position 503, A replaced by G.
Protein change: p.Gln168Arg; replaces glutamine 168 with arginine.
Molecular consequence: missense variant.
Genome position (GRCh38, 1-based): chr9:13,223,601, T>C on the plus strand (A>G on the coding strand, the complement: MPDZ is on the minus strand). VCF-style: chr9-13223601-T-C. GRCh37 (hg19) VCF-style: chr9-13223600-T-C.
Other names: c.503A>G (NM_003829.3); c.503A>G, p.Gln168Arg (NM_001261406.2, NM_001261407.2, NM_001330637.2 and 14 more transcripts); short protein forms Q168R.
Identifiers: ClinVar variation 1912589 (VCV001912589.6), dbSNP rs750707388, ClinGen allele CA4988107.
Genomic context (GRCh38, chr9:13,223,601, plus strand): 5'-AAAACAAAGAAGACGCCGCGACCATCTCACCTATGGGCCACACTGCCCTCTTGTATCTCT[T>C]GAACAAATATTCCCAGCTCTCCTCTGTTTTCACTTCTTAGTCCCACAACACTAAACCCAA-3'
Protein context (NP_001365707.1, residues 158-178): ENRGELGIFV[Gln168Arg]EIQEGSVAHR

ClinVar aggregate classification (germline): Uncertain significance. Review status: criteria provided, multiple submitters, no conflicts (2 of 4 stars). 2 submissions from 2 submitters: Uncertain significance (2). Last evaluated 2024-01-19.

Conditions:
Inborn genetic diseases. Identifiers: MedGen C0950123, MeSH D030342.

Allele frequency attached by ClinVar (database versions not stated): gnomAD 0.00001; TOPMed 0.00002; ExAC 0.00003; gnomAD exomes 0.00005.
gnomAD v4.1: 75 of 1,612,258 alleles (0.0047%); highest among the groups gnomAD compares: Non-Finnish European, 0.0064%; no homozygotes.

Submissions (2):

Labcorp Genetics (formerly Invitae), Labcorp
Classification: Uncertain significance. Last evaluated: 2024-01-19. Review status: criteria provided, single submitter. Criteria: Invitae Variant Classification Sherloc (09022015). Collection method: clinical testing. Allele origin: germline.
Comment: This sequence change replaces glutamine, which is neutral and polar, with arginine, which is basic and polar, at codon 168 of the MPDZ protein (p.Gln168Arg). This variant is present in population databases (rs750707388, gnomAD 0.007%). This variant has not been reported in the literature in individuals affected with MPDZ-related conditions. ClinVar contains an entry for this variant (Variation ID: 1912589). An algorithm developed to predict the effect of missense changes on protein structure and function (PolyPhen-2) suggests that this variant is likely to be disruptive. In summary, the available evidence is currently insufficient to determine the role of this variant in disease. Therefore, it has been classified as a Variant of Uncertain Significance.

Ambry Genetics
Classification: Uncertain significance for Inborn genetic diseases. Last evaluated: 2023-10-13. Review status: criteria provided, single submitter. Criteria: Ambry Variant Classification Scheme 2023. Collection method: clinical testing. Allele origin: germline.